The following is an entry in ClinVar:

ClinVar aggregate classification (germline): Uncertain significance (1 of 4 stars; one submission).

Conditions:
Inborn genetic diseases. Identifiers: MedGen C0950123, MeSH D030342.

gnomAD v4.1: 2 of 1,613,420 alleles (0.00012%); highest among the groups gnomAD compares: Non-Finnish European, 0.00017%; no homozygotes.

Submission:

Ambry Genetics
Classification: Uncertain significance for Inborn genetic diseases. Last evaluated: 2025-01-03. Review status: criteria provided, single submitter. Criteria: Ambry Variant Classification Scheme 2023. Collection method: clinical testing. Allele origin: germline.
Comment: The p.K1311E variant (also known as c.3931A>G), located in coding exon 27 of the ANKRD26 gene, results from an A to G substitution at nucleotide position 3931. The lysine at codon 1311 is replaced by glutamic acid, an amino acid with similar properties. This amino acid position is conserved. In addition, this alteration is predicted to be tolerated by in silico analysis. Based on the available evidence, the clinical significance of this variant remains unclear.

NM_014915.3(ANKRD26):c.3931A>G (p.Lys1311Glu)

Gene: ANKRD26 (ankyrin repeat domain containing 26; minus strand). Cytogenetic location: 10p12.1.
Variant type: single nucleotide variant.
Coding change: c.3931A>G on transcript NM_014915.3 (MANE Select); coding-DNA position 3931, A replaced by G.
Protein change: p.Lys1311Glu; replaces lysine 1311 with glutamic acid.
Molecular consequence: missense variant.
Genome position (GRCh38, 1-based): chr10:27,028,893, T>C on the plus strand (A>G on the coding strand, the complement: ANKRD26 is on the minus strand). VCF-style: chr10-27028893-T-C. GRCh37 (hg19) VCF-style: chr10-27317822-T-C.
Other names: c.3928A>G, p.Lys1310Glu (NM_001256053.2); short protein forms K1311E, K1310E.
Identifiers: ClinVar variation 3869924 (VCV003869924.1).